The following is an entry in ClinVar:

ClinVar aggregate classification (germline): Uncertain significance. Review status: criteria provided, multiple submitters, no conflicts (2 of 4 stars). 3 submissions from 3 submitters: Uncertain significance (3). Last evaluated 2025-07-16.

Conditions:
Inborn genetic diseases. Identifiers: MedGen C0950123, MeSH D030342.
Brachydactyly type B1 (BDB1). Identifiers: Orphanet 572385, Orphanet 93383, MedGen C1862112, MONDO:0007220, OMIM 113000.
Autosomal recessive Robinow syndrome (RRS1). Also called: COSTOVERTEBRAL SEGMENTATION DEFECT WITH MESOMELIA; COVESDEM SYNDROME; ROBINOW SYNDROME, AUTOSOMAL RECESSIVE 1; ROR2-Related Robinow Syndrome. Identifiers: Orphanet 1507, Orphanet 97360, MedGen C5399974, MONDO:0009999, OMIM 268310.

Allele frequency attached by ClinVar (database versions not stated): gnomAD exomes 0.00002; ExAC 0.00003; TOPMed 0.00003; gnomAD 0.00004; ESP Exome Variant Server 0.00008.
gnomAD v4.1: 29 of 1,613,732 alleles (0.0018%); highest among the groups gnomAD compares: African/African-American, 0.02%; no homozygotes.

Submissions (3):

Ambry Genetics
Classification: Uncertain significance for Inborn genetic diseases. Last evaluated: 2025-07-16. Review status: criteria provided, single submitter. Criteria: Ambry Variant Classification Scheme 2023. Collection method: clinical testing. Allele origin: germline.

Labcorp Genetics (formerly Invitae), Labcorp
Classification: Uncertain significance. Last evaluated: 2024-02-26. Review status: criteria provided, single submitter. Criteria: Invitae Variant Classification Sherloc (09022015). Collection method: clinical testing. Allele origin: germline.
Comment: This sequence change replaces arginine, which is basic and polar, with glutamine, which is neutral and polar, at codon 94 of the ROR2 protein (p.Arg94Gln). This variant is present in population databases (rs367829411, gnomAD 0.02%). This variant has not been reported in the literature in individuals affected with ROR2-related conditions. ClinVar contains an entry for this variant (Variation ID: 1482780). An algorithm developed to predict the effect of missense changes on protein structure and function (PolyPhen-2) suggests that this variant is likely to be tolerated. In summary, the available evidence is currently insufficient to determine the role of this variant in disease. Therefore, it has been classified as a Variant of Uncertain Significance.

Fulgent Genetics
Classification: Uncertain significance for Brachydactyly type B1; Autosomal recessive Robinow syndrome. Last evaluated: 2022-05-17. Review status: criteria provided, single submitter. Criteria: ACMG Guidelines, 2015. Collection method: clinical testing. Allele origin: unknown.

NM_004560.4(ROR2):c.281G>A (p.Arg94Gln)

Gene: ROR2 (receptor tyrosine kinase like orphan receptor 2; minus strand). Cytogenetic location: 9q22.31.
Variant type: single nucleotide variant.
Coding change: c.281G>A on transcript NM_004560.4 (MANE Select); coding-DNA position 281, G replaced by A.
Protein change: p.Arg94Gln; replaces arginine 94 with glutamine.
Molecular consequence: missense variant.
Genome position (GRCh38, 1-based): chr9:91,757,454, C>T on the plus strand (G>A on the coding strand, the complement: ROR2 is on the minus strand). VCF-style: chr9-91757454-C-T. GRCh37 (hg19) VCF-style: chr9-94519736-C-T.
Other names: c.281G>A (NM_004560.3); c.281G>A, p.Arg94Gln (NM_001318204.2); short protein forms R94Q.
Identifiers: ClinVar variation 1482780 (VCV001482780.10), dbSNP rs367829411, ClinGen allele CA5121070.
Genomic context (GRCh38, chr9:91,757,454, plus strand): 5'-GTCTTCCGGATGATGATCCGCCGCGGCTCCTGCACCACCGGGGCATCATTCTTTAGCCAC[C>T]GCACGTTAGGGGGTGGGTTTCCTGCCACCTTGCAGTGCAGAATTGCCGTCTGGCCTTGGA-3'
Protein context (NP_004551.2, residues 84-104): KVAGNPPPNV[Arg94Gln]WLKNDAPVVQ